The following is an entry in ClinVar:

NM_006206.6(PDGFRA):c.167G>C (p.Ser56Thr)

Gene: PDGFRA (platelet derived growth factor receptor alpha; plus strand). Cytogenetic location: 4q12.
Variant type: single nucleotide variant.
Coding change: c.167G>C on transcript NM_006206.6 (MANE Select); coding-DNA position 167, G replaced by C.
Protein change: p.Ser56Thr; replaces serine 56 with threonine.
Molecular consequence: missense variant.
Genome position (GRCh38, 1-based): chr4:54,261,212, G>C. VCF-style: chr4-54261212-G-C. GRCh37 (hg19) VCF-style: chr4-55127379-G-C.
Other names: c.167G>C, p.Ser56Thr (NM_001347827.2, NM_001347829.2); c.242G>C, p.Ser81Thr (NM_001347828.2); c.206G>C, p.Ser69Thr (NM_001347830.2); short protein forms S56T, S81T, S69T.
Identifiers: ClinVar variation 135024 (VCV000135024.16), dbSNP rs587778601, ClinGen allele CA161432.
Genomic context (GRCh38, chr4:54,261,212, plus strand): 5'-AAAAGGTTGTGCAGCTGAATTCATCCTTTTCTCTGAGATGCTTTGGGGAGAGTGAAGTGA[G>C]CTGGCAGTACCCCATGTCTGAAGAAGAGAGCTCCGATGTGGAAATCAGAAATGAAGAAAA-3'
Protein context (NP_006197.1, residues 46-66): SLRCFGESEV[Ser56Thr]WQYPMSEEES

ClinVar aggregate classification (germline): Conflicting classifications of pathogenicity. Review status: criteria provided, conflicting classifications (1 of 4 stars). 5 submissions from 5 submitters: Likely pathogenic (1); Benign (1); Likely benign (2). 1 of the submissions does not count toward it. Last evaluated 2026-06-12.

Conditions:
Myeloproliferative neoplasm, unclassifiable. Identifiers: Orphanet 86830, MedGen C1333046, MONDO:0019452.
Polyps, multiple and recurrent inflammatory fibroid, gastrointestinal. Identifiers: MedGen C5193005, MONDO:0008285, OMIM 175510.
Hereditary cancer-predisposing syndrome. Also called: Tumor predisposition; Hereditary neoplastic syndrome; Hereditary Cancer Syndrome; Neoplastic Syndromes, Hereditary. Identifiers: Orphanet 140162, MedGen C0027672, MeSH D009386, MONDO:0015356.
Gastrointestinal stromal tumor. Also called: Gastrointestinal stromal tumor, somatic; Gastrointestinal stroma tumor. Identifiers: Orphanet 44890, MedGen C0238198, MeSH D046152, MONDO:0011719, OMIM 606764, HP:0100723.

Allele frequency attached by ClinVar (database versions not stated): gnomAD below 0.00001 and 0.00004; TOPMed 0.00001; gnomAD exomes 0.00013; ExAC 0.00016.
gnomAD v4.1: 93 of 1,614,056 alleles (0.0058%); highest among the groups gnomAD compares: South Asian, 0.098%; no homozygotes.

Submissions (5):

Myriad Genetics, Inc.
Classification: Likely benign for Polyps, multiple and recurrent inflammatory fibroid, gastrointestinal. Last evaluated: 2026-06-12. Review status: criteria provided, single submitter. Criteria: Myriad Autosomal Dominant, Autosomal Recessive and X-Linked Classification Criteria (2023). Collection method: clinical testing. Allele origin: unknown.
Comment: This variant is considered likely benign. This variant has been observed at a population frequency that is significantly greater than expected given the associated disease prevalence and penetrance.

Labcorp Genetics (formerly Invitae), Labcorp
Classification: Likely benign for Gastrointestinal stromal tumor. Last evaluated: 2026-01-20. Review status: criteria provided, single submitter. Criteria: Invitae Variant Classification Sherloc (09022015). Collection method: clinical testing. Allele origin: germline.

Ambry Genetics
Classification: Benign for Hereditary cancer-predisposing syndrome. Last evaluated: 2024-10-28. Review status: criteria provided, single submitter. Criteria: Ambry Variant Classification Scheme 2023. Collection method: clinical testing. Allele origin: germline.

Dept. of Cytogenetics, ICMR- National Institute of Immunohaematology
Classification: Likely pathogenic for Myeloproliferative neoplasm, unclassifiable. Last evaluated: 2022-08-25. Review status: criteria provided, single submitter. Criteria: Oncogenicity SOP (ClinGen, CGC, VICC guidelines) 2022. Collection method: clinical testing. Allele origin: somatic. Affected: yes. Observed: 1 variant allele.

ITMI
No classification provided. Condition: AllHighlyPenetrant. Last evaluated: 2013-09-19. Review status: no classification provided. Collection method: reference population. Allele origin: germline. Not counted in ClinVar's aggregate classification.
Comment: Please see associated publication for description of ethnicities

Literature cited by the submitters: PubMed 24728327 (cited by ITMI).